The following is an entry in ClinVar:

ClinVar aggregate classification (germline): Likely benign. Review status: criteria provided, single submitter (1 of 4 stars). 2 submissions from 2 submitters: Likely benign (1). 1 of the submissions does not count toward it. Last evaluated 2023-10-30.

Conditions:
Werner syndrome (WRN). Identifiers: Orphanet 902, MedGen C0043119, MONDO:0010196, OMIM 277700.
WRN-related disorder. Also called: WRN-related condition.

Allele frequency attached by ClinVar (database versions not stated): gnomAD exomes below 0.00001 and 0.00001; ExAC 0.00001; gnomAD 0.00003 and 0.00004; TOPMed 0.00003; ESP Exome Variant Server 0.00008.
gnomAD v4.1: 8 of 1,613,956 alleles (0.0005%); highest among the groups gnomAD compares: African/African-American, 0.0094%; no homozygotes.

Submissions (2):

Labcorp Genetics (formerly Invitae), Labcorp
Classification: Likely benign for Werner syndrome. Last evaluated: 2023-10-30. Review status: criteria provided, single submitter. Criteria: Invitae Variant Classification Sherloc (09022015). Collection method: clinical testing. Allele origin: germline.

PreventionGenetics, part of Exact Sciences
Classification: Likely benign for WRN-related condition. Last evaluated: 2022-05-27. Review status: no assertion criteria provided. Collection method: clinical testing. Allele origin: germline. Not counted in ClinVar's aggregate classification.
Comment: This variant is classified as likely benign based on ACMG/AMP sequence variant interpretation guidelines (Richards et al. 2015 PMID: 25741868, with internal and published modifications).

NM_000553.6(WRN):c.3021C>A (p.Gly1007=)

Gene: WRN (WRN RecQ like helicase; plus strand). Cytogenetic location: 8p12.
Variant type: single nucleotide variant.
Coding change: c.3021C>A on transcript NM_000553.6 (MANE Select); coding-DNA position 3021, C replaced by A.
Protein change: p.Gly1007=; no amino-acid change (glycine 1007 retained).
Molecular consequence: synonymous variant.
Genome position (GRCh38, 1-based): chr8:31,141,483, C>A. VCF-style: chr8-31141483-C-A. GRCh37 (hg19) VCF-style: chr8-30998999-C-A.
Identifiers: ClinVar variation 528197 (VCV000528197.12), dbSNP rs367867308, ClinGen allele CA4704919.